The following is an entry in ClinVar:

NM_001330260.2(SCN8A):c.4944G>C (p.Leu1648Phe)

Gene: SCN8A (sodium voltage-gated channel alpha subunit 8; plus strand). Cytogenetic location: 12q13.13.
Variant type: single nucleotide variant.
Coding change: c.4944G>C on transcript NM_001330260.2 (MANE Select); coding-DNA position 4944, G replaced by C.
Protein change: p.Leu1648Phe; replaces leucine 1648 with phenylalanine.
Molecular consequence: missense variant.
Genome position (GRCh38, 1-based): chr12:51,806,430, G>C. VCF-style: chr12-51806430-G-C. GRCh37 (hg19) VCF-style: chr12-52200214-G-C.
Other names: c.4821G>C, p.Leu1607Phe (NM_001177984.3, NM_001369788.1); c.4944G>C, p.Leu1648Phe (NM_014191.4); short protein forms L1648F, L1607F.
Identifiers: ClinVar variation 664289 (VCV000664289.6), dbSNP rs773587801, ClinGen allele CA384880625.

ClinVar aggregate classification (germline): Conflicting classifications of pathogenicity. Review status: criteria provided, conflicting classifications (1 of 4 stars). 2 submissions from 2 submitters: Likely pathogenic (1); Uncertain significance (1). Last evaluated 2023-11-29.

Conditions:
Early-infantile DEE. Also called: Early infantile epileptic encephalopathy; Early infantile epileptic encephalopathy with suppression bursts; Ohtahara syndrome. Identifiers: Orphanet 1934, MedGen C0393706, MONDO:0800491.
Developmental and epileptic encephalopathy, 13 (DEE13). Also called: SCN8A-Related Epilepsy; Developmental and Epileptic Encephalopathy (SCN8A-DEE); Early infantile epileptic encephalopathy 13. Identifiers: Orphanet 442835, MedGen C3281191, MONDO:0013801, OMIM 614558.

Submissions (2):

Centre for Inherited Metabolic Diseases, Karolinska University Hospital
Classification: Likely pathogenic for Developmental and epileptic encephalopathy, 13. Last evaluated: 2023-11-29. Review status: criteria provided, single submitter. Criteria: ACMG Guidelines, 2015. Collection method: clinical testing. Allele origin: de novo. Inheritance: Autosomal dominant inheritance. Affected: yes. Observed: 1 heterozygote.

Labcorp Genetics (formerly Invitae), Labcorp
Classification: Uncertain significance for Early-infantile DEE. Last evaluated: 2022-07-12. Review status: criteria provided, single submitter. Criteria: Invitae Variant Classification Sherloc (09022015). Collection method: clinical testing. Allele origin: germline.
Comment: In summary, the available evidence is currently insufficient to determine the role of this variant in disease. Therefore, it has been classified as a Variant of Uncertain Significance. Algorithms developed to predict the effect of missense changes on protein structure and function are either unavailable or do not agree on the potential impact of this missense change (SIFT: "Deleterious"; PolyPhen-2: "Probably Damaging"; Align-GVGD: "Class C0"). ClinVar contains an entry for this variant (Variation ID: 664289). This variant has not been reported in the literature in individuals affected with SCN8A-related conditions. This variant is not present in population databases (gnomAD no frequency). This sequence change replaces leucine, which is neutral and non-polar, with phenylalanine, which is neutral and non-polar, at codon 1648 of the SCN8A protein (p.Leu1648Phe).